The following is an entry in ClinVar:

NM_198586.3(NHLRC1):c.103C>G (p.His35Asp)

Gene: NHLRC1 (NHL repeat containing E3 ubiquitin protein ligase 1; minus strand). Cytogenetic location: 6p22.3.
Variant type: single nucleotide variant.
Coding change: c.103C>G on transcript NM_198586.3 (MANE Select); coding-DNA position 103, C replaced by G.
Protein change: p.His35Asp; replaces histidine 35 with aspartic acid.
Molecular consequence: missense variant.
Genome position (GRCh38, 1-based): chr6:18,122,504, G>C on the plus strand (C>G on the coding strand, the complement: NHLRC1 is on the minus strand). VCF-style: chr6-18122504-G-C. GRCh37 (hg19) VCF-style: chr6-18122735-G-C.
Other names: p.H35D:CAC>GAC; short protein forms H35D.
Identifiers: ClinVar variation 206184 (VCV000206184.11), dbSNP rs752045674, ClinGen allele CA316024.

ClinVar aggregate classification (germline): Uncertain significance. Review status: criteria provided, multiple submitters, no conflicts (2 of 4 stars). 2 submissions from 2 submitters: Uncertain significance (2). Last evaluated 2024-10-29.

Conditions:
Lafora disease. Also called: Epilepsy progressive myoclonic 2; Progressive Myoclonus Epilepsy, Lafora Type. Identifiers: Orphanet 501, MedGen C0751783, MONDO:0009697.

Allele frequency attached by ClinVar (database versions not stated): gnomAD exomes 0.00001 and 0.00002; ExAC 0.00003.

Submissions (2):

Labcorp Genetics (formerly Invitae), Labcorp
Classification: Uncertain significance for Lafora disease. Last evaluated: 2024-10-29. Review status: criteria provided, single submitter. Criteria: Invitae Variant Classification Sherloc (09022015). Collection method: clinical testing. Allele origin: germline.
Comment: This sequence change replaces histidine, which is basic and polar, with aspartic acid, which is acidic and polar, at codon 35 of the NHLRC1 protein (p.His35Asp). This variant is present in population databases (rs752045674, gnomAD 0.02%). This variant has not been reported in the literature in individuals affected with NHLRC1-related conditions. ClinVar contains an entry for this variant (Variation ID: 206184). Invitae Evidence Modeling of protein sequence and biophysical properties (such as structural, functional, and spatial information, amino acid conservation, physicochemical variation, residue mobility, and thermodynamic stability) indicates that this missense variant is not expected to disrupt NHLRC1 protein function with a negative predictive value of 95%. In summary, the available evidence is currently insufficient to determine the role of this variant in disease. Therefore, it has been classified as a Variant of Uncertain Significance.

GeneDx
Classification: Uncertain significance. Last evaluated: 2013-08-06. Review status: criteria provided, single submitter. Criteria: GeneDx Variant Classification (06012015). Collection method: clinical testing. Allele origin: germline. Affected: yes.
Comment: p.His35Asp (CAC>GAC): c.103 C>G in exon 1 of the NHLRC1 gene (NM_198586.2) The His35Asp missense change has not been published as a mutation, nor has it been reported as a benign polymorphism to our knowledge. It was not observed in approximately 6,100 individuals of European and African American ancestry in the NHLBI Exome Sequencing Project, indicating it is not a common benign variant in these populations. This variant is a non-conservative amino acid substitution of a positively charged Histidine residue with a negatively charged Aspartic acid residue at a position that is not conserved across species. In silico analysis predicts this variant likely has a benign effect on the protein structure/function. Therefore, based on the currently available information, it is unclear whether His35Asp is a disease-causing mutation or a rare benign variant. The variant is found in CHILD-EPI panel(s).